The following is an entry in ClinVar:

NM_005751.5(AKAP9):c.9843A>C (p.Arg3281Ser)

Gene: AKAP9 (A-kinase anchoring protein 9; plus strand). Cytogenetic location: 7q21.2.
Variant type: single nucleotide variant.
Coding change: c.9843A>C on transcript NM_005751.5 (MANE Select); coding-DNA position 9843, A replaced by C.
Protein change: p.Arg3281Ser; replaces arginine 3281 with serine.
Molecular consequence: missense variant.
Genome position (GRCh38, 1-based): chr7:92,096,802, A>C. VCF-style: chr7-92096802-A-C. GRCh37 (hg19) VCF-style: chr7-91726116-A-C.
Other names: c.4488A>C, p.Arg1496Ser (NM_001379277.1); c.9819A>C, p.Arg3273Ser (NM_147185.3); short protein forms R1496S, R3273S, R3281S.
Identifiers: ClinVar variation 3023544 (VCV003023544.3), dbSNP rs201858518, ClinGen allele CA4337854.

ClinVar aggregate classification (germline): Uncertain significance (1 of 4 stars; one submission).

Conditions:
Long QT syndrome (LQTS). Identifiers: MedGen C0023976, MeSH D008133, MONDO:0002442. Disease mechanism: loss of function. Inheritance: Various modes of inheritance.

Allele frequency attached by ClinVar (database versions not stated): ExAC 0.00001; TOPMed 0.00001; gnomAD 0.00003; 1000 Genomes Project 30x 0.00016; 1000 Genomes Project 0.00020.
gnomAD v4.1: 4 of 1,614,240 alleles (0.00025%); highest among the groups gnomAD compares: African/African-American, 0.0053%; no homozygotes.

Submission:

Labcorp Genetics (formerly Invitae), Labcorp
Classification: Uncertain significance for Long QT syndrome. Last evaluated: 2024-01-04. Review status: criteria provided, single submitter. Criteria: Invitae Variant Classification Sherloc (09022015). Collection method: clinical testing. Allele origin: germline.
Comment: This sequence change replaces arginine, which is basic and polar, with serine, which is neutral and polar, at codon 3281 of the AKAP9 protein (p.Arg3281Ser). This variant is present in population databases (rs201858518, gnomAD 0.007%). This variant has not been reported in the literature in individuals affected with AKAP9-related conditions. An algorithm developed to predict the effect of missense changes on protein structure and function (PolyPhen-2) suggests that this variant is likely to be disruptive. In summary, the available evidence is currently insufficient to determine the role of this variant in disease. Therefore, it has been classified as a Variant of Uncertain Significance.